The following is an entry in ClinVar:

NM_198859.4(PRICKLE2):c.1528G>A (p.Glu510Lys)

Gene: PRICKLE2 (prickle planar cell polarity protein 2; minus strand). Cytogenetic location: 3p14.1.
Variant type: single nucleotide variant.
Coding change: c.1528G>A on transcript NM_198859.4 (MANE Select); coding-DNA position 1528, G replaced by A.
Protein change: p.Glu510Lys; replaces glutamic acid 510 with lysine.
Molecular consequence: missense variant.
Genome position (GRCh38, 1-based): chr3:64,146,962, C>T on the plus strand (G>A on the coding strand, the complement: PRICKLE2 is on the minus strand). VCF-style: chr3-64146962-C-T. GRCh37 (hg19) VCF-style: chr3-64132638-C-T.
Other names: c.1528G>A, p.Glu510Lys (NM_001370528.1); short protein forms E510K.
Identifiers: ClinVar variation 577516 (VCV000577516.6), dbSNP rs777124617, ClinGen allele CA2479616.

ClinVar aggregate classification (germline): Uncertain significance (1 of 4 stars; one submission).

Conditions:
Progressive myoclonic epilepsy type 5. Identifiers: Orphanet 402082, MedGen C5190799.

Allele frequency attached by ClinVar (database versions not stated): TOPMed 0.00001; gnomAD exomes below 0.00001 and 0.00001; ExAC 0.00001; gnomAD 0.00001.
gnomAD v4.1: 7 of 1,613,940 alleles (0.00043%); highest among the groups gnomAD compares: East Asian, 0.016%; no homozygotes.

Submission:

Labcorp Genetics (formerly Invitae), Labcorp
Classification: Uncertain significance for Progressive myoclonic epilepsy type 5. Last evaluated: 2018-06-07. Review status: criteria provided, single submitter. Criteria: Invitae Variant Classification Sherloc (09022015). Collection method: clinical testing. Allele origin: germline.
Comment: In summary, the available evidence is currently insufficient to determine the role of this variant in disease. Therefore, it has been classified as a Variant of Uncertain Significance. This sequence change replaces glutamic acid with lysine at codon 510 of the PRICKLE2 protein (p.Glu510Lys). The glutamic acid residue is moderately conserved and there is a small physicochemical difference between glutamic acid and lysine. This variant is present in population databases (rs777124617, ExAC 0.01%). This variant has not been reported in the literature in individuals with PRICKLE2-related disease. Algorithms developed to predict the effect of missense changes on protein structure and function (SIFT, PolyPhen-2, Align-GVGD) all suggest that this variant is likely to be tolerated, but these predictions have not been confirmed by published functional studies and their clinical significance is uncertain.